The following is an entry in ClinVar:

NM_174916.3(UBR1):c.1862G>A (p.Arg621His)

Gene: UBR1 (ubiquitin protein ligase E3 component n-recognin 1; minus strand). Cytogenetic location: 15q15.2.
Variant type: single nucleotide variant.
Coding change: c.1862G>A on transcript NM_174916.3 (MANE Select); coding-DNA position 1862, G replaced by A.
Protein change: p.Arg621His; replaces arginine 621 with histidine.
Molecular consequence: missense variant.
Genome position (GRCh38, 1-based): chr15:43,038,220, C>T on the plus strand (G>A on the coding strand, the complement: UBR1 is on the minus strand). VCF-style: chr15-43038220-C-T. GRCh37 (hg19) VCF-style: chr15-43330418-C-T.
Other names: short protein forms R621H.
Identifiers: ClinVar variation 2707670 (VCV002707670.16), dbSNP rs759990188, ClinGen allele CA7518632.

ClinVar aggregate classification (germline): Conflicting classifications of pathogenicity. Review status: criteria provided, conflicting classifications (1 of 4 stars). 2 submissions from 2 submitters: Uncertain significance (1); Likely benign (1). Last evaluated 2025-01-01.

Allele frequency attached by ClinVar (database versions not stated): gnomAD 0.00001; gnomAD exomes 0.00001; TOPMed 0.00002; ExAC 0.00006.
gnomAD v4.1: 25 of 1,613,842 alleles (0.0015%); highest among the groups gnomAD compares: East Asian, 0.036%; no homozygotes.

Submissions (2):

CeGaT Center for Human Genetics Tuebingen
Classification: Uncertain significance. Last evaluated: 2025-01-01. Review status: criteria provided, single submitter. Criteria: CeGaT Center For Human Genetics Tuebingen Variant Classification Criteria Version 2. Collection method: clinical testing. Allele origin: germline. Affected: yes. Observed: 1 variant allele.
Comment: UBR1: PM2

Labcorp Genetics (formerly Invitae), Labcorp
Classification: Likely benign. Last evaluated: 2023-12-26. Review status: criteria provided, single submitter. Criteria: Invitae Variant Classification Sherloc (09022015). Collection method: clinical testing. Allele origin: germline.